The following is an entry in ClinVar:

NM_004006.3(DMD):c.5911T>C (p.Phe1971Leu)

Gene: DMD (dystrophin; minus strand). Cytogenetic location: Xp21.1.
Variant type: single nucleotide variant.
Coding change: c.5911T>C on transcript NM_004006.3 (MANE Select); coding-DNA position 5911, T replaced by C.
Protein change: p.Phe1971Leu; replaces phenylalanine 1971 with leucine.
Molecular consequence: missense variant.
Genome position (GRCh38, 1-based): chrX:32,342,111, A>G on the plus strand (T>C on the coding strand, the complement: DMD is on the minus strand). VCF-style: chrX-32342111-A-G. GRCh37 (hg19) VCF-style: chrX-32360228-A-G.
Other names: c.5887T>C, p.Phe1963Leu (NM_000109.4); c.5899T>C, p.Phe1967Leu (NM_004009.3); c.5542T>C, p.Phe1848Leu (NM_004010.3); c.1888T>C, p.Phe630Leu (NM_004011.4); c.1879T>C, p.Phe627Leu (NM_004012.4); short protein forms F1967L, F627L, F630L, F1848L, F1963L, F1971L.
Identifiers: ClinVar variation 1399132 (VCV001399132.9), dbSNP rs2148812491, ClinGen allele CA412664684.

ClinVar aggregate classification (germline): Uncertain significance. Review status: criteria provided, multiple submitters, no conflicts (2 of 4 stars). 2 submissions from 2 submitters: Uncertain significance (2). Last evaluated 2026-02-26.

Conditions:
Duchenne muscular dystrophy (DMD). Also called: MUSCULAR DYSTROPHY, PSEUDOHYPERTROPHIC PROGRESSIVE, DUCHENNE TYPE; Duchenne Muscular Dystrophy (DMD). Identifiers: Orphanet 98896, MedGen C0013264, MONDO:0010679, OMIM 310200.

Submissions (2):

Women's Health and Genetics/Laboratory Corporation of America, LabCorp
Classification: Uncertain significance. Last evaluated: 2026-02-26. Review status: criteria provided, single submitter. Criteria: LabCorp Variant Classification Summary - May 2015. Collection method: clinical testing. Allele origin: germline.
Comment: Variant summary: DMD c.5911T>C (p.Phe1971Leu) results in a non-conservative amino acid change in the encoded protein sequence. Algorithms developed to predict the effect of missense changes on protein structure and function are either unavailable or do not agree on the potential impact of this missense change. The variant was absent in 180254 control chromosomes (gnomAD). The available data on variant occurrences in the general population are insufficient to allow any conclusion about variant significance. c.5911T>C has been observed in one individual affected with Becker Muscular Dystrophy (Saad_1998). The report does not provide unequivocal conclusions about association of the variant with Dystrophinopathies. To our knowledge, no experimental evidence demonstrating an impact on protein function has been reported. The following publication have been ascertained in the context of this evaluation (PMID: 9805122). ClinVar contains an entry for this variant (Variation ID: 1399132). Based on the evidence outlined above, the variant was classified as uncertain significance.

Labcorp Genetics (formerly Invitae), Labcorp
Classification: Uncertain significance for Duchenne muscular dystrophy. Last evaluated: 2021-01-25. Review status: criteria provided, single submitter. Criteria: Invitae Variant Classification Sherloc (09022015). Collection method: clinical testing. Allele origin: germline.
Comment: This sequence change replaces phenylalanine with leucine at codon 1971 of the DMD protein (p.Phe1971Leu). The phenylalanine residue is moderately conserved and there is a small physicochemical difference between phenylalanine and leucine. In summary, the available evidence is currently insufficient to determine the role of this variant in disease. Therefore, it has been classified as a Variant of Uncertain Significance. Algorithms developed to predict the effect of missense changes on protein structure and function (SIFT, PolyPhen-2, Align-GVGD) all suggest that this variant is likely to be tolerated, but these predictions have not been confirmed by published functional studies and their clinical significance is uncertain. This variant has been observed in individual(s) with Becker muscular dystrophy (PMID: 9805122). This variant is also known as T → C transition at nucleotide 6119. This variant is not present in population databases (ExAC no frequency).

Literature cited by the submitters: PubMed 9805122 (cited by Women's Health and Genetics/Laboratory Corporation of America, LabCorp and Labcorp Genetics (formerly Invitae), Labcorp).